The following is an entry in ClinVar:

NM_019032.6(ADAMTSL4):c.1961C>T (p.Pro654Leu)

Genes: ADAMTSL4 (ADAMTS like 4; plus strand), ADAMTSL4-AS2 (ADAMTSL4 antisense RNA 2; minus strand). Cytogenetic location: 1q21.2.
Variant type: single nucleotide variant.
Coding change: c.1961C>T on transcript NM_019032.6 (MANE Select); coding-DNA position 1961, C replaced by T.
Protein change: p.Pro654Leu; replaces proline 654 with leucine.
Molecular consequence: missense variant. On other transcripts: intron variant (1).
Genome position (GRCh38, 1-based): chr1:150,557,249, C>T. VCF-style: chr1-150557249-C-T. GRCh37 (hg19) VCF-style: chr1-150529725-C-T.
Other names: c.2030C>T, p.Pro677Leu (NM_001288608.2); c.1961C>T, p.Pro654Leu (NM_001378596.1, NM_025008.5); c.1857-13C>T (NM_001288607.2); c.1961C>T (NM_019032.4); short protein forms P654L, P677L.
Identifiers: ClinVar variation 1986575 (VCV001986575.2), dbSNP rs772032770, ClinGen allele CA1078473.
Genomic context (GRCh38, chr1:150,557,249, plus strand): 5'-GCCCAGCCCGGACCCCAGGCACCCTCCAGCGTCAGGTGCGGATCCCCCAGATGCCCGCCC[C>T]GCCCCATCCCAGGACACCCCTGGGGTCTCCAGCTGCGTACTGGAAACGAGTGGGACACTC-3'
Protein context (NP_061905.2, residues 644-664): RQVRIPQMPA[Pro654Leu]PHPRTPLGSP

ClinVar aggregate classification (germline): Uncertain significance. Review status: criteria provided, multiple submitters, no conflicts (2 of 4 stars). 2 submissions from 2 submitters: Uncertain significance (2). Last evaluated 2025-02-24.

Conditions:
Inborn genetic diseases. Identifiers: MedGen C0950123, MeSH D030342.

Allele frequency attached by ClinVar (database versions not stated): ExAC 0.00001; gnomAD exomes 0.00001; gnomAD 0.00004; TOPMed 0.00005.
gnomAD v4.1: 19 of 1,611,320 alleles (0.0012%); highest among the groups gnomAD compares: African/African-American, 0.0067%; no homozygotes.

Submissions (2):

Ambry Genetics
Classification: Uncertain significance for Inborn genetic diseases. Last evaluated: 2025-02-24. Review status: criteria provided, single submitter. Criteria: Ambry Variant Classification Scheme 2023. Collection method: clinical testing. Allele origin: germline.

Labcorp Genetics (formerly Invitae), Labcorp
Classification: Uncertain significance. Last evaluated: 2022-08-01. Review status: criteria provided, single submitter. Criteria: Invitae Variant Classification Sherloc (09022015). Collection method: clinical testing. Allele origin: germline.
Comment: This sequence change replaces proline, which is neutral and non-polar, with leucine, which is neutral and non-polar, at codon 654 of the ADAMTSL4 protein (p.Pro654Leu). This variant is present in population databases (rs772032770, gnomAD 0.004%). This variant has not been reported in the literature in individuals affected with ADAMTSL4-related conditions. Algorithms developed to predict the effect of missense changes on protein structure and function output the following: SIFT: "Deleterious"; PolyPhen-2: "Benign"; Align-GVGD: "Class C65". The leucine amino acid residue is found in multiple mammalian species, which suggests that this missense change does not adversely affect protein function. In summary, the available evidence is currently insufficient to determine the role of this variant in disease. Therefore, it has been classified as a Variant of Uncertain Significance.